The following is an entry in ClinVar:

ClinVar aggregate classification (germline): Conflicting classifications of pathogenicity. Review status: criteria provided, conflicting classifications (1 of 4 stars). 3 submissions from 3 submitters: Uncertain significance (2); Likely benign (1). Last evaluated 2026-06-16.

Conditions:
PRDM13-related disorder. Also called: PRDM13-related condition.

Submissions (3):

PreventionGenetics, part of Exact Sciences
Classification: Uncertain significance for PRDM13-related condition. Last evaluated: 2026-06-16. Review status: criteria provided, single submitter. Criteria: ACMG Guidelines, 2015. Collection method: clinical testing. Allele origin: germline.
Comment: The PRDM13 c.1125_1133dup9 variant is predicted to result in an in-frame duplication (p.Pro376_Pro378dup). To our knowledge, this variant has not been reported in the literature. This variant is reported in 0.11% of alleles in individuals of East Asian descent in gnomAD, which may be too frequent to be a primary cause of disease. Although we suspect that this variant may be benign, at this time, the clinical significance of this variant is uncertain due to the absence of conclusive functional and genetic evidence.

Labcorp Genetics (formerly Invitae), Labcorp
Classification: Uncertain significance. Last evaluated: 2025-10-29. Review status: criteria provided, single submitter. Criteria: Invitae Variant Classification Sherloc (09022015). Collection method: clinical testing. Allele origin: germline.
Comment: This variant, c.1125_1133dup, results in the insertion of 3 amino acid(s) of the PRDM13 protein (p.Pro376_Pro378dup), but otherwise preserves the integrity of the reading frame. This variant is present in population databases (rs577768379, gnomAD 0.09%). This variant has not been reported in the literature in individuals affected with PRDM13-related conditions. ClinVar contains an entry for this variant (Variation ID: 853056). Experimental studies and prediction algorithms are not available or were not evaluated, and the functional significance of this variant is currently unknown. In summary, the available evidence is currently insufficient to determine the role of this variant in disease. Therefore, it has been classified as a Variant of Uncertain Significance.

Blueprint Genetics
Classification: Likely benign. Last evaluated: 2024-11-01. Review status: criteria provided, single submitter. Criteria: ACMG Guidelines, 2015. Collection method: clinical testing. Allele origin: germline.

NM_021620.4(PRDM13):c.1116GCC[9] (p.Pro376_Pro378dup)

Genes: PRDM13 (PR/SET domain 13; plus strand), LOC129996881 (ATAC-STARR-seq lymphoblastoid silent region 17422; plus strand). Cytogenetic location: 6q16.2.
Variant type: Microsatellite.
Coding change: c.1116GCC[9] on transcript NM_021620.4 (MANE Select); nine copies in a row of the 3-base unit GCC starting at c.1116; the reference has six copies in a row; three copies, 9 bases duplicated.
Protein change: p.Pro376_Pro378dup.
Molecular consequence: inframe insertion.
Genome position (GRCh38, 1-based): chr6:99,613,760-99,613,768, GCCGCCGCC duplicated; duplicating any 9 consecutive bases within chr6:99,613,749-99,613,768 gives the same sequence; the position shown is the placement nearest the transcript's 3' end. VCF-style (leftmost placement, unchanged base first): chr6-99613748-C-CCCGCCGCCG. GRCh37 (hg19) VCF-style: chr6-100061624-C-CCCGCCGCCG.
Other names: c.1125_1133dup9 (NM_021620.3).
Identifiers: ClinVar variation 853056 (VCV000853056.10), dbSNP rs112674667, ClinGen allele CA3936323.